The following is an entry in ClinVar:

NM_031885.5(BBS2):c.272C>A (p.Ala91Asp)

Gene: BBS2 (Bardet-Biedl syndrome 2; minus strand). Cytogenetic location: 16q13.
Variant type: single nucleotide variant.
Coding change: c.272C>A on transcript NM_031885.5 (MANE Select); coding-DNA position 272, C replaced by A.
Protein change: p.Ala91Asp; replaces alanine 91 with aspartic acid.
Molecular consequence: missense variant. On other transcripts: non-coding transcript variant (5).
Genome position (GRCh38, 1-based): chr16:56,514,526, G>T on the plus strand (C>A on the coding strand, the complement: BBS2 is on the minus strand). VCF-style: chr16-56514526-G-T. GRCh37 (hg19) VCF-style: chr16-56548438-G-T.
Other names: c.272C>A, p.Ala91Asp (NM_001377456.1); short protein forms A91D.
Identifiers: ClinVar variation 1399301 (VCV001399301.5), dbSNP rs2144193029, ClinGen allele CA395985663.

ClinVar aggregate classification (germline): Uncertain significance (1 of 4 stars; one submission).

Conditions:
Bardet-Biedl syndrome (BBS). Identifiers: Orphanet 110, MedGen C0752166, MONDO:0015229.

Submission:

Labcorp Genetics (formerly Invitae), Labcorp
Classification: Uncertain significance for Bardet-Biedl syndrome. Last evaluated: 2021-08-28. Review status: criteria provided, single submitter. Criteria: Invitae Variant Classification Sherloc (09022015). Collection method: clinical testing. Allele origin: germline.
Comment: This sequence change replaces alanine with aspartic acid at codon 91 of the BBS2 protein (p.Ala91Asp). The alanine residue is weakly conserved and there is a moderate physicochemical difference between alanine and aspartic acid. This variant is not present in population databases (ExAC no frequency). This variant has not been reported in the literature in individuals affected with BBS2-related conditions. Algorithms developed to predict the effect of missense changes on protein structure and function (SIFT, PolyPhen-2, Align-GVGD) all suggest that this variant is likely to be tolerated. In summary, the available evidence is currently insufficient to determine the role of this variant in disease. Therefore, it has been classified as a Variant of Uncertain Significance.